The following is an entry in ClinVar:

NM_001408.3(CELSR2):c.5136C>T (p.Pro1712=)

Gene: CELSR2 (cadherin EGF LAG seven-pass G-type receptor 2; plus strand). Cytogenetic location: 1p13.3.
Variant type: single nucleotide variant.
Coding change: c.5136C>T on transcript NM_001408.3 (MANE Select); coding-DNA position 5136, C replaced by T.
Protein change: p.Pro1712=; no amino-acid change (proline 1712 retained).
Molecular consequence: synonymous variant.
Genome position (GRCh38, 1-based): chr1:109,264,212, C>T. VCF-style: chr1-109264212-C-T. GRCh37 (hg19) VCF-style: chr1-109806834-C-T.
Other names: c.5136C>T (NM_001408.2).
Identifiers: ClinVar variation 1553618 (VCV001553618.11), dbSNP rs6698843, ClinGen allele CA987445.
Genomic context (GRCh38, chr1:109,264,212, plus strand): 5'-CCGGGCCAATGACGGTGACTGGCACCATGCACAGCTGGCACTGGGAGCCAGCGGGGGGCC[C>T]GGCCATGCCATTCTGTCCTTCGATTATGGGCAGCAGAGAGCAGAGGGCAACCTGGGCCCC-3'
Protein context (NP_001399.1, residues 1702-1722): AQLALGASGG[Pro1712=]GHAILSFDYG

ClinVar aggregate classification (germline): Benign. Review status: criteria provided, multiple submitters, no conflicts (2 of 4 stars). 3 submissions from 3 submitters: Benign (2). 1 of the submissions does not count toward it. Last evaluated 2026-02-01.

Conditions:
CELSR2-related disorder. Also called: CELSR2-related condition.

Allele frequency attached by ClinVar (database versions not stated): TOPMed 0.35631; gnomAD 0.36208 and 0.35510; ExAC 0.43116; 1000 Genomes Project 30x 0.35259; ESP Exome Variant Server 0.35391; 1000 Genomes Project 0.35343.
gnomAD v4.1: 712,521 of 1,613,140 alleles (44%); highest among the groups gnomAD compares: Middle Eastern, 50%; 162,346 homozygotes.

Submissions (3):

Labcorp Genetics (formerly Invitae), Labcorp
Classification: Benign. Last evaluated: 2026-02-01. Review status: criteria provided, single submitter. Criteria: Invitae Variant Classification Sherloc (09022015). Collection method: clinical testing. Allele origin: germline.

Breakthrough Genomics
Classification: Benign. Review status: criteria provided, single submitter. Criteria: ACMG Guidelines, 2015. Collection method: not provided. Allele origin: germline. Inheritance: Unknown mechanism. Affected: yes.

PreventionGenetics, part of Exact Sciences
Classification: Benign for CELSR2-related condition. Last evaluated: 2019-10-17. Review status: no assertion criteria provided. Collection method: clinical testing. Allele origin: germline. Not counted in ClinVar's aggregate classification.
Comment: This variant is classified as benign based on ACMG/AMP sequence variant interpretation guidelines (Richards et al. 2015 PMID: 25741868, with internal and published modifications).